The following is an entry in ClinVar:

ClinVar aggregate classification (germline): Uncertain significance (1 of 4 stars; one submission).

Conditions:
Emery-Dreifuss muscular dystrophy 5, autosomal dominant (EDMD5). Also called: EMERY-DREIFUSS MUSCULAR DYSTROPHY 5. Identifiers: Orphanet 261, MedGen C2751805, MONDO:0013072, OMIM 612999.

Allele frequency attached by ClinVar (database versions not stated): gnomAD exomes below 0.00001; ExAC 0.00001.
gnomAD v4.1: 1 of 1,614,174 alleles (0.000062%); highest among the groups gnomAD compares: East Asian, 0.0022%; no homozygotes.

Submission:

Labcorp Genetics (formerly Invitae), Labcorp
Classification: Uncertain significance for Emery-Dreifuss muscular dystrophy 5, autosomal dominant. Last evaluated: 2022-06-13. Review status: criteria provided, single submitter. Criteria: Invitae Variant Classification Sherloc (09022015). Collection method: clinical testing. Allele origin: germline.
Comment: This sequence change replaces glutamic acid, which is acidic and polar, with aspartic acid, which is acidic and polar, at codon 3789 of the SYNE2 protein (p.Glu3789Asp). This variant is present in population databases (rs762999027, gnomAD 0.006%). This variant has not been reported in the literature in individuals affected with SYNE2-related conditions. Algorithms developed to predict the effect of missense changes on protein structure and function (SIFT, PolyPhen-2, Align-GVGD) all suggest that this variant is likely to be tolerated. In summary, the available evidence is currently insufficient to determine the role of this variant in disease. Therefore, it has been classified as a Variant of Uncertain Significance.

NM_182914.3(SYNE2):c.11367A>C (p.Glu3789Asp)

Gene: SYNE2 (spectrin repeat containing nuclear envelope protein 2; plus strand). Cytogenetic location: 14q23.2.
Variant type: single nucleotide variant.
Coding change: c.11367A>C on transcript NM_182914.3 (MANE Select); coding-DNA position 11367, A replaced by C.
Protein change: p.Glu3789Asp; replaces glutamic acid 3789 with aspartic acid.
Molecular consequence: missense variant.
Genome position (GRCh38, 1-based): chr14:64,081,463, A>C. VCF-style: chr14-64081463-A-C. GRCh37 (hg19) VCF-style: chr14-64548181-A-C.
Other names: c.11367A>C, p.Glu3789Asp (NM_015180.6); short protein forms E3789D.
Identifiers: ClinVar variation 1518468 (VCV001518468.8), dbSNP rs762999027, ClinGen allele CA7221769.